The following is an entry in ClinVar:

NM_001304360.2(CFAP74):c.4051G>A (p.Val1351Ile)

Gene: CFAP74 (cilia and flagella associated protein 74; minus strand). Cytogenetic location: 1p36.33.
Variant type: single nucleotide variant.
Coding change: c.4051G>A on transcript NM_001304360.2 (MANE Select); coding-DNA position 4051, G replaced by A.
Protein change: p.Val1351Ile; replaces valine 1351 with isoleucine.
Molecular consequence: missense variant.
Genome position (GRCh38, 1-based): chr1:1,925,836, C>T on the plus strand (G>A on the coding strand, the complement: CFAP74 is on the minus strand). VCF-style: chr1-1925836-C-T. GRCh37 (hg19) VCF-style: chr1-1857275-C-T.
Other names: short protein forms V1351I.
Identifiers: ClinVar variation 2638067 (VCV002638067.24), dbSNP rs201764531, ClinGen allele CA533015.

ClinVar aggregate classification (germline): Uncertain significance (1 of 4 stars; one submission).

Allele frequency attached by ClinVar (database versions not stated): gnomAD 0.00002; gnomAD exomes 0.00004; TOPMed 0.00005; ExAC 0.00007.
gnomAD v4.1: 68 of 1,612,598 alleles (0.0042%); highest among the groups gnomAD compares: Middle Eastern, 0.016%; no homozygotes.

Submission:

CeGaT Center for Human Genetics Tuebingen
Classification: Uncertain significance. Last evaluated: 2023-02-01. Review status: criteria provided, single submitter. Criteria: CeGaT Center For Human Genetics Tuebingen Variant Classification Criteria Version 2. Collection method: clinical testing. Allele origin: germline. Affected: yes. Observed: 1 variant allele.
Comment: CFAP74: PM2, BP4